The following is an entry in ClinVar:

NM_001830.4(CLCN4):c.1931G>A (p.Arg644His)

Gene: CLCN4 (Cl-/H+ antiporter 4; plus strand). Cytogenetic location: Xp22.2.
Variant type: single nucleotide variant.
Coding change: c.1931G>A on transcript NM_001830.4 (MANE Select); coding-DNA position 1931, G replaced by A.
Protein change: p.Arg644His; replaces arginine 644 with histidine.
Molecular consequence: missense variant.
Genome position (GRCh38, 1-based): chrX:10,214,035, G>A. VCF-style: chrX-10214035-G-A. GRCh37 (hg19) VCF-style: chrX-10182075-G-A.
Other names: c.1649G>A, p.Arg550His (NM_001256944.2); short protein forms R644H, R550H.
Identifiers: ClinVar variation 4771189 (VCV004771189.1).

ClinVar aggregate classification (germline): Uncertain significance (1 of 4 stars; one submission).

gnomAD v4.1: 1 of 1,193,443 alleles (0.000084%); highest among the groups gnomAD compares: Non-Finnish European, 0.00011%; no homozygotes.

Submission:

Labcorp Genetics (formerly Invitae), Labcorp
Classification: Uncertain significance. Last evaluated: 2025-07-24. Review status: criteria provided, single submitter. Criteria: Invitae Variant Classification Sherloc (09022015). Collection method: clinical testing. Allele origin: germline.
Comment: This sequence change replaces arginine, which is basic and polar, with histidine, which is basic and polar, at codon 644 of the CLCN4 protein (p.Arg644His). This variant is not present in population databases (gnomAD no frequency). This variant has not been reported in the literature in individuals affected with CLCN4-related conditions. Invitae Evidence Modeling of protein sequence and biophysical properties (such as structural, functional, and spatial information, amino acid conservation, physicochemical variation, residue mobility, and thermodynamic stability) indicates that this missense variant is not expected to disrupt CLCN4 protein function with a negative predictive value of 80%. In summary, the available evidence is currently insufficient to determine the role of this variant in disease. Therefore, it has been classified as a Variant of Uncertain Significance.